The following is an entry in ClinVar:

NM_000459.5(TEK):c.3323_3324del (p.Leu1107_Tyr1108insTer)

Gene: TEK (TEK receptor tyrosine kinase; plus strand). Cytogenetic location: 9p21.2.
Variant type: Deletion.
Coding change: c.3323_3324del on transcript NM_000459.5 (MANE Select); coding-DNA positions 3323 to 3324, 2 bases deleted (AT; older notation c.3323_3324delAT).
Protein change: p.Leu1107_Tyr1108insTer.
Molecular consequence: nonsense. On other transcripts: frameshift variant (2).
Genome position (GRCh38, 1-based): chr9:27,229,180-27,229,181, AT deleted; deleting any 2 consecutive bases within chr9:27,229,179-27,229,181 gives the same sequence; the c. name uses the placement nearest the transcript's 3' end. VCF-style (leftmost placement, unchanged base first): chr9-27229178-TTA-T. GRCh37 (hg19) VCF-style: chr9-27229176-TTA-T.
Other names: c.3194_3195delAT, p.Tyr1065Terfs (NM_001290077.2); c.2879_2880delAT, p.Tyr960Terfs (NM_001290078.2); c.3320_3321del, p.Leu1106_Tyr1107insTer (NM_001375475.1); c.3191_3192del, p.Leu1063_Tyr1064insTer (NM_001375476.1).
Identifiers: ClinVar variation 2664276 (VCV002664276.2), dbSNP rs2489035766, ClinGen allele CA2695201548.

ClinVar aggregate classification (germline): Pathogenic. Review status: criteria provided, single submitter (1 of 4 stars). 2 submissions from 2 submitters: Pathogenic (1). 1 of the submissions does not count toward it. Last evaluated 2024-12-09.

Conditions:
Vascular malformation. Also called: Vascular malformations. Identifiers: MedGen C0158570, MONDO:0024291.
Multiple cutaneous and mucosal venous malformations (VMCM). Also called: TEK-Related Multiple Cutaneous and Mucosal Venous Malformations (VMCM). Identifiers: Orphanet 2451, MedGen C1838437, MONDO:0010842, OMIM 600195.

Submissions (2):

Clinical Genomics Laboratory, Washington University in St. Louis
Classification: Pathogenic for Vascular malformation. Last evaluated: 2024-12-09. Review status: criteria provided, single submitter. Criteria: Leon-Quintero et al. (Clin Genet. 2025). Collection method: clinical testing. Allele origin: somatic. Affected: yes.
Comment: A TEK c.3323_3324del (p.Tyr1108*) variant was identified at an allelic fraction consistent with somatic origin. This variant (c.3323_3324del; p.Tyr1108*) has been reported in one individual with blue rubber bleb nevus syndrome and one individual with a severe vascular malformation of the face (Soblet J et al., PMID: 27519652; Sterba M et al., PMID: 37380669). In addition, other truncating variants in the same codon (p.Tyr1108*), due to different nucleotide changes (c.3319_3320del; c.3324T>A), have been reported in affected individuals (Mattassi R et al., PMID: 28655553; Paolacci S et al., PMID: 33105631). This variant is absent from the general population (gnomAD v.4.1.0), indicating it is not a common variant. The TEK c.3323_3324del (p.Tyr1108*) variant causes a premature termination codon; however, because this occurs in the last exon, it is not predicted to lead to nonsense-mediated decay. This variant resides within the C-terminal tail of TEK, which is a critical functional domain (Shewchuk LM et al., PMID: 11080633). In particular, functional studies show that the C-terminal tail exerts an autoinhibitory effect on TIE2, and truncated protein products disrupting this region have been shown to increase kinase activity in vitro as well as increase downstream signaling and impair apoptosis in a cell line (Wouters V et al., PMID: 19888299; Murray BW et al., PMID: 11513602; Niu XL et al., PMID: 12082108). Furthermore, numerous other truncating variants have been reported in this region in multiple patients with vascular malformations (Soblet J et al., PMID: 23801934; Soblet J et al., PMID: 27519652; Paolacci S et al., PMID: 33105631; Sterba M et al., PMID: 37380669). Based on available information and an internally developed protocol informed by the ACMG/AMP guidelines for variant interpretation (Leon-Quintero FZ et al., PMID: 39434542), the TEK c.3323_3324del (p.Tyr1108*) variant is classified as pathogenic.

Seattle Children's Hospital Molecular Genetics Laboratory, Seattle Children's Hospital
Classification: Pathogenic for Multiple cutaneous and mucosal venous malformations. Review status: no assertion criteria provided. Collection method: clinical testing. Allele origin: somatic. Affected: yes. Not counted in ClinVar's aggregate classification.